The following is an entry in ClinVar:

ClinVar aggregate classification (germline): Conflicting classifications of pathogenicity. Review status: criteria provided, conflicting classifications (1 of 4 stars). 2 submissions from 2 submitters: Uncertain significance (1); Likely benign (1). Last evaluated 2019-07-16.

Conditions:
Cardiovascular phenotype. Identifiers: MedGen CN230736.
Hypercholesterolemia, familial, 1. Also called: LDL RECEPTOR DISORDER; Hyperlipoproteinemia Type IIa; HYPER-LOW-DENSITY-LIPOPROTEINEMIA; HYPERCHOLESTEROLEMIC XANTHOMATOSIS, FAMILIAL; Fredrickson type IIa hyperlipoproteinemia; Hyperlipoproteinemia type 2. Identifiers: Orphanet 391665, MedGen C0745103, MONDO:0007750, OMIM 143890.

Allele frequency attached by ClinVar (database versions not stated): gnomAD exomes below 0.00001.
gnomAD v4.1: 4 of 1,614,120 alleles (0.00025%); highest among the groups gnomAD compares: Non-Finnish European, 0.00034%; no homozygotes.

Submissions (2):

Ambry Genetics
Classification: Likely benign for Cardiovascular phenotype. Last evaluated: 2019-07-16. Review status: criteria provided, single submitter. Criteria: Ambry Variant Classification Scheme 2023. Collection method: clinical testing. Allele origin: germline.

Iberoamerican FH Network
Classification: Uncertain significance for Familial hypercholesterolemia. Last evaluated: 2016-03-01. Review status: criteria provided, single submitter. Criteria: ACMG Guidelines, 2015. Collection method: research. Allele origin: germline.
Comment: Variant present in the database from Uruguay

NM_000384.3(APOB):c.2184T>C (p.Asp728=)

Gene: APOB (apolipoprotein B; minus strand). Cytogenetic location: 2p24.1.
Variant type: single nucleotide variant.
Coding change: c.2184T>C on transcript NM_000384.3 (MANE Select); coding-DNA position 2184, T replaced by C.
Protein change: p.Asp728=; no amino-acid change (aspartic acid 728 retained).
Molecular consequence: synonymous variant.
Genome position (GRCh38, 1-based): chr2:21,026,848, A>G on the plus strand (T>C on the coding strand, the complement: APOB is on the minus strand). VCF-style: chr2-21026848-A-G. GRCh37 (hg19) VCF-style: chr2-21249720-A-G.
Identifiers: ClinVar variation 523731 (VCV000523731.3), dbSNP rs1325443043, ClinGen allele CA425137797.